The following is an entry in ClinVar:

NM_007294.4(BRCA1):c.1416C>T (p.Pro472=)

Gene: BRCA1 (BRCA1 DNA repair associated; minus strand). Cytogenetic location: 17q21.31.
Variant type: single nucleotide variant.
Coding change: c.1416C>T on transcript NM_007294.4 (MANE Select); coding-DNA position 1416, C replaced by T.
Protein change: p.Pro472=; no amino-acid change (proline 472 retained).
Molecular consequence: synonymous variant. On other transcripts: intron variant (137).
Genome position (GRCh38, 1-based): chr17:43,094,115, G>A on the plus strand (C>T on the coding strand, the complement: BRCA1 is on the minus strand). VCF-style: chr17-43094115-G-A. GRCh37 (hg19) VCF-style: chr17-41246132-G-A.
Other names: c.1203C>T, p.Pro401= (NM_001407571.1, NM_001407853.1, NM_001407894.1 and 9 more transcripts); c.1416C>T, p.Pro472= (NM_001407581.1, NM_001407582.1, NM_001407583.1 and 30 more transcripts); c.1413C>T, p.Pro471= (NM_001407587.1, NM_001407590.1, NM_001407591.1 and 22 more transcripts); c.1407C>T, p.Pro469= (NM_001407646.1, NM_001407647.1); c.1293C>T, p.Pro431= (NM_001407648.1, NM_001407664.1, NM_001407665.1 and 19 more transcripts); c.1290C>T, p.Pro430= (NM_001407649.1, NM_001407670.1, NM_001407671.1 and 11 more transcripts); c.1338C>T, p.Pro446= (NM_001407653.1, NM_001407654.1, NM_001407655.1 and 4 more transcripts); c.1335C>T, p.Pro445= (NM_001407659.1, NM_001407660.1, NM_001407661.1 and 1 more transcripts); and 40 more.
Identifiers: ClinVar variation 427352 (VCV000427352.10), dbSNP rs752808917, ClinGen allele CA057232.

ClinVar aggregate classification (germline): Likely benign. Review status: reviewed by expert panel (3 of 4 stars). 5 submissions from 5 submitters: Likely benign (1). 4 of the submissions do not count toward it. Last evaluated 2017-06-29.

Conditions:
Hereditary breast ovarian cancer syndrome. Also called: Hereditary breast and ovarian cancer syndrome (HBOC); BRCA1- and BRCA2-Associated Hereditary Breast and Ovarian Cancer; Hereditary breast and/or ovarian cancer syndrome; Hereditary breast and ovarian cancer syndrome; Hereditary breast and ovarian cancer; Breast and ovarian cancer. Identifiers: Orphanet 145, MedGen C0677776, MeSH D061325, MONDO:0003582. Disease mechanism: loss of function.
Hereditary cancer-predisposing syndrome. Also called: Neoplastic Syndromes, Hereditary; Hereditary neoplastic syndrome; Tumor predisposition; Hereditary Cancer Syndrome. Identifiers: Orphanet 140162, MedGen C0027672, MeSH D009386, MONDO:0015356.
Breast-ovarian cancer, familial, susceptibility to, 1 (BROVCA1). Also called: BRCA1 Hereditary Breast and Ovarian Cancer; OVARIAN CANCER, SUSCEPTIBILITY TO. Identifiers: Orphanet 145, MedGen C2676676, MONDO:0011450, OMIM 604370. Disease mechanism: loss of function.

Allele frequency attached by ClinVar (database versions not stated): gnomAD exomes below 0.00001; ExAC 0.00001.

Submissions (5):

Evidence-based Network for the Interpretation of Germline Mutant Alleles (ENIGMA)
Classification: Likely benign for Breast-ovarian cancer, familial, susceptibility to, 1. Last evaluated: 2017-06-29. Review status: reviewed by expert panel. Criteria: ENIGMA BRCA1/2 Classification Criteria (2017-06-29). Collection method: curation. Allele origin: germline.
Comment: Synonymous substitution variant, with low bioinformatic likelihood to result in a splicing aberration (Splicing prior probability 0.02).

Ambry Genetics
Classification: Likely benign for Hereditary cancer-predisposing syndrome. Last evaluated: 2026-06-03. Review status: criteria provided, single submitter. Criteria: Ambry Variant Classification Scheme 2023. Collection method: clinical testing. Allele origin: germline. Not counted in ClinVar's aggregate classification.

Labcorp Genetics (formerly Invitae), Labcorp
Classification: Likely benign for Hereditary breast ovarian cancer syndrome. Last evaluated: 2026-01-31. Review status: criteria provided, single submitter. Criteria: Invitae Variant Classification Sherloc (09022015). Collection method: clinical testing. Allele origin: germline. Not counted in ClinVar's aggregate classification.

Quest Diagnostics Nichols Institute San Juan Capistrano
Classification: Likely benign. Last evaluated: 2025-05-18. Review status: criteria provided, single submitter. Criteria: Quest Diagnostics criteria. Collection method: clinical testing. Allele origin: unknown. Not counted in ClinVar's aggregate classification.

Color Diagnostics, LLC DBA Color Health
Classification: Likely benign for Hereditary cancer-predisposing syndrome. Last evaluated: 2018-10-30. Review status: criteria provided, single submitter. Criteria: ACMG Guidelines, 2015. Collection method: clinical testing. Allele origin: germline. Not counted in ClinVar's aggregate classification.